The following is an entry in ClinVar:

NM_002335.4(LRP5):c.3279C>T (p.Ile1093=)

Gene: LRP5 (LDL receptor related protein 5; plus strand). Cytogenetic location: 11q13.2.
Variant type: single nucleotide variant.
Coding change: c.3279C>T on transcript NM_002335.4 (MANE Select); coding-DNA position 3279, C replaced by T.
Protein change: p.Ile1093=; no amino-acid change (isoleucine 1093 retained).
Molecular consequence: synonymous variant.
Genome position (GRCh38, 1-based): chr11:68,425,144, C>T. VCF-style: chr11-68425144-C-T. GRCh37 (hg19) VCF-style: chr11-68192612-C-T.
Other names: c.1536C>T, p.Ile512= (NM_001291902.2); c.3279C>T (NM_002335.3).
Identifiers: ClinVar variation 1112204 (VCV001112204.10), dbSNP rs140852936, ClinGen allele CA6149934.

ClinVar aggregate classification (germline): Likely benign. Review status: criteria provided, multiple submitters, no conflicts (2 of 4 stars). 2 submissions from 2 submitters: Likely benign (2). Last evaluated 2025-10-08.

Conditions:
LRP5-related disorder. Also called: LRP5-related condition.

Submissions (2):

PreventionGenetics, part of Exact Sciences
Classification: Likely benign for LRP5-related condition. Last evaluated: 2025-10-08. Review status: criteria provided, single submitter. Criteria: ACMG Guidelines, 2015. Collection method: clinical testing. Allele origin: germline.
Comment: This variant is classified as likely benign based on ACMG/AMP sequence variant interpretation guidelines (Richards et al. 2015 PMID: 25741868, with internal and published modifications).

Labcorp Genetics (formerly Invitae), Labcorp
Classification: Likely benign. Last evaluated: 2024-12-02. Review status: criteria provided, single submitter. Criteria: Invitae Variant Classification Sherloc (09022015). Collection method: clinical testing. Allele origin: germline.